The following is an entry in ClinVar:

NM_018979.4(WNK1):c.6374G>A (p.Arg2125Gln)

Gene: WNK1 (WNK lysine deficient protein kinase 1; plus strand). Cytogenetic location: 12p13.33.
Variant type: single nucleotide variant.
Coding change: c.6374G>A on transcript NM_018979.4 (MANE Select); coding-DNA position 6374, G replaced by A.
Protein change: p.Arg2125Gln; replaces arginine 2125 with glutamine.
Molecular consequence: missense variant.
Genome position (GRCh38, 1-based): chr12:897,607, G>A. VCF-style: chr12-897607-G-A. GRCh37 (hg19) VCF-style: chr12-1006773-G-A.
Other names: c.7154G>A, p.Arg2385Gln (NM_001184985.2); c.5630G>A, p.Arg1877Gln (NM_014823.3); c.7130G>A, p.Arg2377Gln (NM_213655.5); short protein forms R2377Q, R2125Q, R2385Q, R1877Q.
Identifiers: ClinVar variation 471206 (VCV000471206.8), dbSNP rs757825668, ClinGen allele CA6383390.

ClinVar aggregate classification (germline): Uncertain significance (1 of 4 stars; one submission).

Conditions:
Neuropathy, hereditary sensory and autonomic, type 2A (HSAN2A). Also called: HSAN IIA; WNK1-Related HSAN2 (HSAN2A); ACROOSTEOLYSIS, GIACCAI TYPE; ACROOSTEOLYSIS, NEUROGENIC; MORVAN DISEASE; NEUROPATHY, CONGENITAL SENSORY. Identifiers: Orphanet 970, MedGen C2752089, MONDO:0024309, OMIM 201300.
Pseudohypoaldosteronism type 2C (PHA2C). Also called: Pseudohypoaldosteronism Type IIC. Identifiers: Orphanet 757, Orphanet 88940, MedGen C1840391, MONDO:0013778, OMIM 614492.

Allele frequency attached by ClinVar (database versions not stated): ExAC 0.00001; gnomAD 0.00001; gnomAD exomes 0.00001.
gnomAD v4.1: 9 of 1,614,008 alleles (0.00056%); highest among the groups gnomAD compares: South Asian, 0.0055%; no homozygotes.

Submission:

Labcorp Genetics (formerly Invitae), Labcorp
Classification: Uncertain significance for Neuropathy, hereditary sensory and autonomic, type 2A; Pseudohypoaldosteronism type 2C. Last evaluated: 2025-09-14. Review status: criteria provided, single submitter. Criteria: Invitae Variant Classification Sherloc (09022015). Collection method: clinical testing. Allele origin: germline.
Comment: This sequence change replaces arginine, which is basic and polar, with glutamine, which is neutral and polar, at codon 2377 of the WNK1 protein (p.Arg2377Gln). This variant is present in population databases (rs757825668, gnomAD 0.01%). This variant has not been reported in the literature in individuals affected with WNK1-related conditions. ClinVar contains an entry for this variant (Variation ID: 471206). Invitae Evidence Modeling of protein sequence and biophysical properties (such as structural, functional, and spatial information, amino acid conservation, physicochemical variation, residue mobility, and thermodynamic stability) indicates that this missense variant is not expected to disrupt WNK1 protein function with a negative predictive value of 95%. In summary, the available evidence is currently insufficient to determine the role of this variant in disease. Therefore, it has been classified as a Variant of Uncertain Significance.